The following is an entry in ClinVar:

NM_017565.4(FAM20A):c.404+3G>A

Gene: FAM20A (FAM20A golgi associated secretory pathway pseudokinase; minus strand). Cytogenetic location: 17q24.2.
Variant type: single nucleotide variant.
Coding change: c.404+3G>A on transcript NM_017565.4 (MANE Select); 3 bases into the intron after coding-DNA position 404, G replaced by A.
Molecular consequence: intron variant.
Genome position (GRCh38, 1-based): chr17:68,600,260, C>T on the plus strand (G>A on the coding strand, the complement: FAM20A is on the minus strand). VCF-style: chr17-68600260-C-T. GRCh37 (hg19) VCF-style: chr17-66596401-C-T.
Other names: c.-237+3G>A (NM_001243746.2).
Identifiers: ClinVar variation 732806 (VCV000732806.12), dbSNP rs79967692, ClinGen allele CA8730101.

ClinVar aggregate classification (germline): Benign. Review status: criteria provided, multiple submitters, no conflicts (2 of 4 stars). 2 submissions from 2 submitters: Benign (2). Last evaluated 2026-01-27.

Conditions:
FAM20A-related disorder. Also called: FAM20A-related condition.

Allele frequency attached by ClinVar (database versions not stated): ESP Exome Variant Server 0.00040; TOPMed 0.00244; ExAC 0.00504; gnomAD 0.00591; 1000 Genomes Project 30x 0.00874; 1000 Genomes Project 0.01018.
gnomAD v4.1: 4,265 of 1,560,872 alleles (0.27%); highest among the groups gnomAD compares: East Asian, 3.7%; 64 homozygotes.

Submissions (2):

Labcorp Genetics (formerly Invitae), Labcorp
Classification: Benign. Last evaluated: 2026-01-27. Review status: criteria provided, single submitter. Criteria: Invitae Variant Classification Sherloc (09022015). Collection method: clinical testing. Allele origin: germline.

PreventionGenetics, part of Exact Sciences
Classification: Benign for FAM20A-related condition. Last evaluated: 2025-03-17. Review status: criteria provided, single submitter. Criteria: ACMG Guidelines, 2015. Collection method: clinical testing. Allele origin: germline.
Comment: This variant is classified as benign based on ACMG/AMP sequence variant interpretation guidelines (Richards et al. 2015 PMID: 25741868, with internal and published modifications).